The following is an entry in ClinVar:

ClinVar aggregate classification (germline): Conflicting classifications of pathogenicity. Review status: criteria provided, conflicting classifications (1 of 4 stars). 7 submissions from 7 submitters: Uncertain significance (5); Likely benign (2). Last evaluated 2025-07-29.

Conditions:
Birt-Hogg-Dube syndrome 1 (BHD1). Also called: FIBROFOLLICULOMAS WITH TRICHODISCOMAS AND ACROCHORDONS. Identifiers: Orphanet 122, MedGen CN375946, MONDO:0800445, OMIM 135150.
Colorectal cancer. Also called: Colorectal cancer, somatic; Malignant Colorectal Neoplasm. Identifiers: MedGen C0346629, MONDO:0005575, OMIM 114500.
Nonpapillary renal cell carcinoma. Identifiers: Orphanet 422526, MedGen CN074294, MONDO:0007763, OMIM 144700.
Familial spontaneous pneumothorax (PSP). Identifiers: Orphanet 2903, MedGen C1868193, MONDO:0008259, OMIM 173600.
Hereditary cancer-predisposing syndrome. Also called: Hereditary neoplastic syndrome; Neoplastic Syndromes, Hereditary; Tumor predisposition; Hereditary Cancer Syndrome. Identifiers: Orphanet 140162, MedGen C0027672, MeSH D009386, MONDO:0015356.
Birt-Hogg-Dube syndrome. Also called: Birt Hogg Dubé syndrome. Identifiers: Orphanet 122, MedGen C0346010, MONDO:0800444.

Allele frequency attached by ClinVar (database versions not stated): ExAC 0.00001; gnomAD 0.00001 and 0.00002; gnomAD exomes 0.00001 and 0.00002; TOPMed 0.00004.
gnomAD v4.1: 9 of 1,613,714 alleles (0.00056%); highest among the groups gnomAD compares: African/African-American, 0.0093%; no homozygotes.

Submissions (7):

Labcorp Genetics (formerly Invitae), Labcorp
Classification: Uncertain significance for Birt-Hogg-Dube syndrome. Last evaluated: 2025-07-29. Review status: criteria provided, single submitter. Criteria: Invitae Variant Classification Sherloc (09022015). Collection method: clinical testing. Allele origin: germline.
Comment: This sequence change replaces glycine, which is neutral and non-polar, with alanine, which is neutral and non-polar, at codon 398 of the FLCN protein (p.Gly398Ala). This variant is present in population databases (rs766801011, gnomAD 0.01%). This variant has not been reported in the literature in individuals affected with FLCN-related conditions. ClinVar contains an entry for this variant (Variation ID: 460585). Invitae Evidence Modeling of protein sequence and biophysical properties (such as structural, functional, and spatial information, amino acid conservation, physicochemical variation, residue mobility, and thermodynamic stability) indicates that this missense variant is not expected to disrupt FLCN protein function with a negative predictive value of 80%. In summary, the available evidence is currently insufficient to determine the role of this variant in disease. Therefore, it has been classified as a Variant of Uncertain Significance.

GeneDx
Classification: Uncertain significance. Last evaluated: 2025-06-10. Review status: criteria provided, single submitter. Criteria: GeneDx Variant Classification Process June 2021. Collection method: clinical testing. Allele origin: germline. Affected: yes.
Comment: Not observed at significant frequency in large population cohorts (gnomAD); In silico analysis suggests that this missense variant does not alter protein structure/function; Has not been previously published as pathogenic or benign to our knowledge; This variant is associated with the following publications: (PMID: 17028174)

Myriad Genetics, Inc.
Classification: Likely benign for Birt-Hogg-Dube syndrome 1. Last evaluated: 2024-08-07. Review status: criteria provided, single submitter. Criteria: Myriad Autosomal Dominant, Autosomal Recessive and X-Linked Classification Criteria (2023). Collection method: clinical testing. Allele origin: unknown.
Comment: This variant is considered likely benign. This variant has been observed at a population frequency that is significantly greater than expected given the associated disease prevalence and penetrance.

Quest Diagnostics Nichols Institute San Juan Capistrano
Classification: Uncertain significance. Last evaluated: 2024-06-11. Review status: criteria provided, single submitter. Criteria: Quest Diagnostics criteria. Collection method: clinical testing. Allele origin: unknown.
Comment: The FLCN c.1193G>C (p.Gly398Ala) variant has not been reported in individuals with FLCN-related conditions in the published literature. The frequency of this variant in the general population, 0.000016 (4/249082 chromosomes (Genome Aggregation Database)), is uninformative in the assessment of its pathogenicity. Analysis of this variant using bioinformatics tools for the prediction of the effect of amino acid changes on protein structure and function yielded conflicting predictions that this variant is deleterious or benign. Based on the available information, we are unable to determine the clinical significance of this variant.

Fulgent Genetics
Classification: Uncertain significance for Colorectal cancer; Birt-Hogg-Dube syndrome 1; Nonpapillary renal cell carcinoma; Familial spontaneous pneumothorax. Last evaluated: 2024-05-01. Review status: criteria provided, single submitter. Criteria: ACMG Guidelines, 2015. Collection method: clinical testing. Allele origin: germline.

Baylor Genetics
Classification: Uncertain significance for Birt-Hogg-Dube syndrome 1. Last evaluated: 2023-05-12. Review status: criteria provided, single submitter. Criteria: ACMG Guidelines, 2015. Collection method: clinical testing. Allele origin: unknown.

Ambry Genetics
Classification: Likely benign for Hereditary cancer-predisposing syndrome. Last evaluated: 2023-01-24. Review status: criteria provided, single submitter. Criteria: Ambry Variant Classification Scheme 2023. Collection method: clinical testing. Allele origin: germline.

NM_144997.7(FLCN):c.1193G>C (p.Gly398Ala)

Gene: FLCN (folliculin; minus strand). Cytogenetic location: 17p11.2.
Variant type: single nucleotide variant.
Coding change: c.1193G>C on transcript NM_144997.7 (MANE Select); coding-DNA position 1193, G replaced by C.
Protein change: p.Gly398Ala; replaces glycine 398 with alanine.
Molecular consequence: missense variant.
Genome position (GRCh38, 1-based): chr17:17,216,487, C>G on the plus strand (G>C on the coding strand, the complement: FLCN is on the minus strand). VCF-style: chr17-17216487-C-G. GRCh37 (hg19) VCF-style: chr17-17119801-C-G.
Other names: c.1193G>C (LRG_325t1, NM_144997.6); c.1247G>C, p.Gly416Ala (NM_001353229.2); c.1193G>C, p.Gly398Ala (NM_001353230.2, NM_001353231.2); short protein forms G398A, G416A.
Identifiers: ClinVar variation 460585 (VCV000460585.14), dbSNP rs766801011, ClinGen allele CA8416100.